The following is an entry in ClinVar:

NM_004366.6(CLCN2):c.1393A>G (p.Ile465Val)

Gene: CLCN2 (chloride voltage-gated channel 2; minus strand). Cytogenetic location: 3q27.1.
Variant type: single nucleotide variant.
Coding change: c.1393A>G on transcript NM_004366.6 (MANE Select); coding-DNA position 1393, A replaced by G.
Protein change: p.Ile465Val; replaces isoleucine 465 with valine.
Molecular consequence: missense variant.
Genome position (GRCh38, 1-based): chr3:184,354,907, T>C on the plus strand (A>G on the coding strand, the complement: CLCN2 is on the minus strand). VCF-style: chr3-184354907-T-C. GRCh37 (hg19) VCF-style: chr3-184072695-T-C.
Other names: c.1393A>G (NM_004366.4); c.1393A>G, p.Ile465Val (NM_001171087.3, NM_001171089.3); c.1261A>G, p.Ile421Val (NM_001171088.3); short protein forms I465V, I421V.
Identifiers: ClinVar variation 2734107 (VCV002734107.12), dbSNP rs148377547, ClinGen allele CA2734142.

ClinVar aggregate classification (germline): Uncertain significance. Review status: criteria provided, multiple submitters, no conflicts (2 of 4 stars). 3 submissions from 3 submitters: Uncertain significance (3). Last evaluated 2025-12-25.

Conditions:
Inborn genetic diseases. Identifiers: MedGen C0950123, MeSH D030342.

Allele frequency attached by ClinVar (database versions not stated): TOPMed 0.00003; gnomAD 0.00004; ExAC 0.00006; gnomAD exomes 0.00006; ESP Exome Variant Server 0.00008.

Submissions (3):

Labcorp Genetics (formerly Invitae), Labcorp
Classification: Uncertain significance. Last evaluated: 2025-12-25. Review status: criteria provided, single submitter. Criteria: Invitae Variant Classification Sherloc (09022015). Collection method: clinical testing. Allele origin: germline.
Comment: This sequence change replaces isoleucine, which is neutral and non-polar, with valine, which is neutral and non-polar, at codon 465 of the CLCN2 protein (p.Ile465Val). This variant is present in population databases (rs148377547, gnomAD 0.01%). This variant has not been reported in the literature in individuals affected with CLCN2-related conditions. ClinVar contains an entry for this variant (Variation ID: 2734107). Invitae Evidence Modeling of protein sequence and biophysical properties (such as structural, functional, and spatial information, amino acid conservation, physicochemical variation, residue mobility, and thermodynamic stability) indicates that this missense variant is not expected to disrupt CLCN2 protein function with a negative predictive value of 80%. In summary, the available evidence is currently insufficient to determine the role of this variant in disease. Therefore, it has been classified as a Variant of Uncertain Significance.

CeGaT Center for Human Genetics Tuebingen
Classification: Uncertain significance. Last evaluated: 2025-08-01. Review status: criteria provided, single submitter. Criteria: CeGaT Center For Human Genetics Tuebingen Variant Classification Criteria Version 2. Collection method: clinical testing. Allele origin: germline. Affected: yes. Observed: 1 variant allele.
Comment: CLCN2: PM2, PP3

Ambry Genetics
Classification: Uncertain significance for Inborn genetic diseases. Last evaluated: 2025-02-22. Review status: criteria provided, single submitter. Criteria: Ambry Variant Classification Scheme 2023. Collection method: clinical testing. Allele origin: germline.